The following is an entry in ClinVar:

ClinVar aggregate classification (germline): Conflicting classifications of pathogenicity. Review status: criteria provided, conflicting classifications (1 of 4 stars). 2 submissions from 2 submitters: Uncertain significance (1); Likely benign (1). Last evaluated 2026-06-16.

Conditions:
Ataxia-telangiectasia syndrome (AT). Also called: LOUIS-BAR SYNDROME; Ataxia-telangiectasia, complementation group D; AT, COMPLEMENTATION GROUP C; ATAXIA-TELANGIECTASIA, FRESNO VARIANT; Ataxia telangiectasia (A-T); Cerebello-oculocutaneous telangiectasia. Identifiers: Orphanet 100, MedGen C0004135, MONDO:0008840, OMIM 208900.
Hereditary cancer-predisposing syndrome. Also called: Hereditary neoplastic syndrome; Neoplastic Syndromes, Hereditary; Tumor predisposition; Hereditary Cancer Syndrome. Identifiers: Orphanet 140162, MedGen C0027672, MeSH D009386, MONDO:0015356.

Submissions (2):

Ambry Genetics
Classification: Likely benign for Hereditary cancer-predisposing syndrome. Last evaluated: 2026-06-16. Review status: criteria provided, single submitter. Criteria: Ambry Variant Classification Scheme 2023. Collection method: clinical testing. Allele origin: germline.

Labcorp Genetics (formerly Invitae), Labcorp
Classification: Uncertain significance for Ataxia-telangiectasia syndrome. Last evaluated: 2024-03-13. Review status: criteria provided, single submitter. Criteria: Invitae Variant Classification Sherloc (09022015). Collection method: clinical testing. Allele origin: germline.
Comment: This sequence change replaces lysine, which is basic and polar, with glutamic acid, which is acidic and polar, at codon 742 of the ATM protein (p.Lys742Glu). This variant is not present in population databases (gnomAD no frequency). This variant has not been reported in the literature in individuals affected with ATM-related conditions. An algorithm developed to predict the effect of missense changes on protein structure and function (PolyPhen-2) suggests that this variant is likely to be tolerated. In summary, the available evidence is currently insufficient to determine the role of this variant in disease. Therefore, it has been classified as a Variant of Uncertain Significance.

Literature cited by the submitters: PubMed 40580951 (cited by Ambry Genetics).

NM_000051.4(ATM):c.2224A>G (p.Lys742Glu)

Gene: ATM (ATM serine/threonine kinase; plus strand). Cytogenetic location: 11q22.3.
Variant type: single nucleotide variant.
Coding change: c.2224A>G on transcript NM_000051.4 (MANE Select); coding-DNA position 2224, A replaced by G.
Protein change: p.Lys742Glu; replaces lysine 742 with glutamic acid.
Molecular consequence: missense variant.
Genome position (GRCh38, 1-based): chr11:108,256,314, A>G. VCF-style: chr11-108256314-A-G. GRCh37 (hg19) VCF-style: chr11-108127041-A-G.
Other names: c.2224A>G, p.Lys742Glu (NM_001351834.2); short protein forms K742E.
Identifiers: ClinVar variation 3628919 (VCV003628919.3).